The following is an entry in ClinVar:

ClinVar aggregate classification (germline): Uncertain significance (1 of 4 stars; one submission).

Allele frequency attached by ClinVar (database versions not stated): gnomAD exomes below 0.00001.
gnomAD v4.1: 1 of 1,610,422 alleles (0.000062%); highest among the groups gnomAD compares: Non-Finnish European, 0.000085%; no homozygotes.

Submission:

GeneDx
Classification: Uncertain significance. Last evaluated: 2021-12-26. Review status: criteria provided, single submitter. Criteria: GeneDx Variant Classification Process June 2021. Collection method: clinical testing. Allele origin: germline. Affected: yes.
Comment: Not observed at significant frequency in large population cohorts (Lek et al., 2016); In silico analysis supports that this missense variant does not alter protein structure/function; Has not been previously published as pathogenic or benign to our knowledge; Variants in candidate genes are classified as variants of uncertain significance in accordance with ACMG guidelines (Richards et al., 2015)

NM_007202.4(AKAP10):c.1972A>G (p.Lys658Glu)

Gene: AKAP10 (A-kinase anchoring protein 10; minus strand). Cytogenetic location: 17p11.2.
Variant type: single nucleotide variant.
Coding change: c.1972A>G on transcript NM_007202.4 (MANE Select); coding-DNA position 1972, A replaced by G.
Protein change: p.Lys658Glu; replaces lysine 658 with glutamic acid.
Molecular consequence: missense variant.
Genome position (GRCh38, 1-based): chr17:19,909,192, T>C on the plus strand (A>G on the coding strand, the complement: AKAP10 is on the minus strand). VCF-style: chr17-19909192-T-C. GRCh37 (hg19) VCF-style: chr17-19812505-T-C.
Other names: c.1798A>G, p.Lys600Glu (NM_001330152.2); short protein forms K658E, K600E.
Identifiers: ClinVar variation 391023 (VCV000391023.4), dbSNP rs1057523948, ClinGen allele CA16607186.